The following is an entry in ClinVar:

NM_024408.4(NOTCH2):c.6314G>A (p.Arg2105Gln)

Gene: NOTCH2 (notch receptor 2; minus strand). Cytogenetic location: 1p12.
Variant type: single nucleotide variant.
Coding change: c.6314G>A on transcript NM_024408.4 (MANE Select); coding-DNA position 6314, G replaced by A.
Protein change: p.Arg2105Gln; replaces arginine 2105 with glutamine.
Molecular consequence: missense variant.
Genome position (GRCh38, 1-based): chr1:119,916,408, C>T on the plus strand (G>A on the coding strand, the complement: NOTCH2 is on the minus strand). VCF-style: chr1-119916408-C-T. GRCh37 (hg19) VCF-style: chr1-120459031-C-T.
Other names: c.6314G>A (NM_024408.3); short protein forms R2105Q.
Identifiers: ClinVar variation 1955901 (VCV001955901.8), dbSNP rs587650529, ClinGen allele CA1039445.

ClinVar aggregate classification (germline): Uncertain significance. Review status: criteria provided, multiple submitters, no conflicts (2 of 4 stars). 2 submissions from 2 submitters: Uncertain significance (2). Last evaluated 2024-12-08.

Conditions:
Hajdu-Cheney syndrome (HJCYS). Also called: SERPENTINE FIBULA-POLYCYSTIC KIDNEY SYNDROME; Acroosteolysis dominant type; ACROOSTEOLYSIS WITH OSTEOPOROSIS AND CHANGES IN SKULL AND MANDIBLE. Identifiers: Orphanet 955, MedGen C0917715, MONDO:0007057, OMIM 102500.

Allele frequency attached by ClinVar (database versions not stated): gnomAD 0.00001; gnomAD exomes 0.00001; ExAC 0.00002; 1000 Genomes Project 30x 0.00016; 1000 Genomes Project 0.00020.
gnomAD v4.1: 12 of 1,614,148 alleles (0.00074%); highest among the groups gnomAD compares: South Asian, 0.0033%; no homozygotes.

Submissions (2):

Labcorp Genetics (formerly Invitae), Labcorp
Classification: Uncertain significance for Hajdu-Cheney syndrome. Last evaluated: 2024-12-08. Review status: criteria provided, single submitter. Criteria: Invitae Variant Classification Sherloc (09022015). Collection method: clinical testing. Allele origin: germline.
Comment: This sequence change replaces arginine, which is basic and polar, with glutamine, which is neutral and polar, at codon 2105 of the NOTCH2 protein (p.Arg2105Gln). This variant is present in population databases (rs587650529, gnomAD 0.006%). This variant has not been reported in the literature in individuals affected with NOTCH2-related conditions. ClinVar contains an entry for this variant (Variation ID: 1955901). Invitae Evidence Modeling of protein sequence and biophysical properties (such as structural, functional, and spatial information, amino acid conservation, physicochemical variation, residue mobility, and thermodynamic stability) indicates that this missense variant is not expected to disrupt NOTCH2 protein function with a negative predictive value of 80%. In summary, the available evidence is currently insufficient to determine the role of this variant in disease. Therefore, it has been classified as a Variant of Uncertain Significance.

Revvity Omics, Revvity
Classification: Uncertain significance. Last evaluated: 2019-07-22. Review status: criteria provided, single submitter. Criteria: ACMG Guidelines, 2015. Collection method: clinical testing. Allele origin: germline.